The following is an entry in ClinVar:

ClinVar aggregate classification (germline): Likely benign. Review status: criteria provided, multiple submitters, no conflicts (2 of 4 stars). 6 submissions from 6 submitters: Likely benign (4). 2 of the submissions do not count toward it. Last evaluated 2025-12-19.

Conditions:
BLM-related disorder. Also called: BLM-related condition.
Bloom syndrome (BLM). Also called: Bloom-Torre-Machacek syndrome. Identifiers: Orphanet 125, MedGen C0005859, MONDO:0008876, OMIM 210900.
Hereditary cancer-predisposing syndrome. Also called: Neoplastic Syndromes, Hereditary; Tumor predisposition; Hereditary Cancer Syndrome; Hereditary neoplastic syndrome. Identifiers: Orphanet 140162, MedGen C0027672, MeSH D009386, MONDO:0015356.

Allele frequency attached by ClinVar (database versions not stated): gnomAD 0.00001; TOPMed 0.00002; ESP Exome Variant Server 0.00008.
gnomAD v4.1: 5 of 1,612,752 alleles (0.00031%); highest among the groups gnomAD compares: Non-Finnish European, 0.00042%; no homozygotes.

Submissions (6):

Labcorp Genetics (formerly Invitae), Labcorp
Classification: Likely benign for Bloom syndrome. Last evaluated: 2025-12-19. Review status: criteria provided, single submitter. Criteria: Invitae Variant Classification Sherloc (09022015). Collection method: clinical testing. Allele origin: germline.

Quest Diagnostics Nichols Institute San Juan Capistrano
Classification: Likely benign. Last evaluated: 2025-05-21. Review status: criteria provided, single submitter. Criteria: Quest Diagnostics criteria. Collection method: clinical testing. Allele origin: unknown.

Women's Health and Genetics/Laboratory Corporation of America, LabCorp
Classification: Likely benign. Last evaluated: 2025-03-31. Review status: criteria provided, single submitter. Criteria: LabCorp Variant Classification Summary - May 2015. Collection method: clinical testing. Allele origin: germline.

Ambry Genetics
Classification: Likely benign for Hereditary cancer-predisposing syndrome. Last evaluated: 2017-05-31. Review status: criteria provided, single submitter. Criteria: Ambry Variant Classification Scheme 2023. Collection method: clinical testing. Allele origin: germline.

Natera, Inc.
Classification: Likely benign for Bloom syndrome. Last evaluated: 2020-10-21. Review status: no assertion criteria provided. Collection method: clinical testing. Allele origin: germline. Not counted in ClinVar's aggregate classification.

PreventionGenetics, part of Exact Sciences
Classification: Likely benign for BLM-related condition. Last evaluated: 2019-05-28. Review status: no assertion criteria provided. Collection method: clinical testing. Allele origin: germline. Not counted in ClinVar's aggregate classification.
Comment: This variant is classified as likely benign based on ACMG/AMP sequence variant interpretation guidelines (Richards et al. 2015 PMID: 25741868, with internal and published modifications).

NM_000057.4(BLM):c.3348C>T (p.Asp1116=)

Gene: BLM (BLM RecQ like helicase; plus strand). Cytogenetic location: 15q26.1.
Variant type: single nucleotide variant.
Coding change: c.3348C>T on transcript NM_000057.4 (MANE Select); coding-DNA position 3348, C replaced by T.
Protein change: p.Asp1116=; no amino-acid change (aspartic acid 1116 retained).
Molecular consequence: synonymous variant.
Genome position (GRCh38, 1-based): chr15:90,798,327, C>T. VCF-style: chr15-90798327-C-T. GRCh37 (hg19) VCF-style: chr15-91341557-C-T.
Other names: c.3348C>T (LRG_20t1); c.3348C>T, p.Asp1116= (NM_001287246.2, NM_001287247.2); c.2223C>T, p.Asp741= (NM_001287248.2).
Identifiers: ClinVar variation 413303 (VCV000413303.24), dbSNP rs372697241, ClinGen allele CA16614977.